The following is an entry in ClinVar:

ClinVar aggregate classification (germline): Uncertain significance (1 of 4 stars; one submission).

Conditions:
Dilated cardiomyopathy 1JJ (CMD1JJ). Identifiers: Orphanet 154, MedGen C3808935, MONDO:0014095, OMIM 615235.

Submission:

Labcorp Genetics (formerly Invitae), Labcorp
Classification: Uncertain significance for Dilated cardiomyopathy 1JJ. Last evaluated: 2023-10-16. Review status: criteria provided, single submitter. Criteria: Invitae Variant Classification Sherloc (09022015). Collection method: clinical testing. Allele origin: germline.
Comment: This sequence change replaces glycine, which is neutral and non-polar, with valine, which is neutral and non-polar, at codon 163 of the LAMA4 protein (p.Gly163Val). This variant is not present in population databases (gnomAD no frequency). This variant has not been reported in the literature in individuals affected with LAMA4-related conditions. An algorithm developed to predict the effect of missense changes on protein structure and function (PolyPhen-2) suggests that this variant is likely to be disruptive. In summary, the available evidence is currently insufficient to determine the role of this variant in disease. Therefore, it has been classified as a Variant of Uncertain Significance.

NM_001105206.3(LAMA4):c.488G>T (p.Gly163Val)

Gene: LAMA4 (laminin subunit alpha 4; minus strand). Cytogenetic location: 6q21.
Variant type: single nucleotide variant.
Coding change: c.488G>T on transcript NM_001105206.3 (MANE Select); coding-DNA position 488, G replaced by T.
Protein change: p.Gly163Val; replaces glycine 163 with valine.
Molecular consequence: missense variant.
Genome position (GRCh38, 1-based): chr6:112,201,623, C>A on the plus strand (G>T on the coding strand, the complement: LAMA4 is on the minus strand). VCF-style: chr6-112201623-C-A. GRCh37 (hg19) VCF-style: chr6-112522824-C-A.
Other names: c.488G>T, p.Gly163Val (NM_002290.5, NM_001105207.3); short protein forms G163V.
Identifiers: ClinVar variation 2769074 (VCV002769074.3), dbSNP rs2547179542, ClinGen allele CA365379628.